The following is an entry in ClinVar:

ClinVar aggregate classification (germline): Uncertain significance (1 of 4 stars; one submission).

Conditions:
Dyskeratosis congenita, autosomal dominant 6 (DKCA6). Identifiers: Orphanet 3322, MedGen C4225284, MONDO:0014690, OMIM 616553.

gnomAD v4.1: 1 of 1,613,902 alleles (0.000062%); highest among the groups gnomAD compares: Non-Finnish European, 0.000085%; no homozygotes.

Submission:

Labcorp Genetics (formerly Invitae), Labcorp
Classification: Uncertain significance for Dyskeratosis congenita, autosomal dominant 6. Last evaluated: 2023-02-27. Review status: criteria provided, single submitter. Criteria: Invitae Variant Classification Sherloc (09022015). Collection method: clinical testing. Allele origin: germline.
Comment: This variant is not present in population databases (gnomAD no frequency). This sequence change replaces glycine, which is neutral and non-polar, with glutamic acid, which is acidic and polar, at codon 269 of the ACD protein (p.Gly269Glu). In summary, the available evidence is currently insufficient to determine the role of this variant in disease. Therefore, it has been classified as a Variant of Uncertain Significance. Advanced modeling of protein sequence and biophysical properties (such as structural, functional, and spatial information, amino acid conservation, physicochemical variation, residue mobility, and thermodynamic stability) performed at Invitae indicates that this missense variant is not expected to disrupt ACD protein function. This variant has not been reported in the literature in individuals affected with ACD-related conditions.

NM_001082486.2(ACD):c.548G>A (p.Gly183Glu)

Gene: ACD (ACD shelterin complex subunit and telomerase recruitment factor; minus strand). Cytogenetic location: 16q22.1.
Variant type: single nucleotide variant.
Coding change: c.548G>A on transcript NM_001082486.2 (MANE Select); coding-DNA position 548, G replaced by A.
Protein change: p.Gly183Glu; replaces glycine 183 with glutamic acid.
Molecular consequence: missense variant.
Genome position (GRCh38, 1-based): chr16:67,659,025, C>T on the plus strand (G>A on the coding strand, the complement: ACD is on the minus strand). VCF-style: chr16-67659025-C-T. GRCh37 (hg19) VCF-style: chr16-67692928-C-T.
Other names: c.548G>A, p.Gly183Glu (NM_001410884.1); c.539G>A, p.Gly180Glu (NM_022914.3); short protein forms G183E, G180E.
Identifiers: ClinVar variation 3019954 (VCV003019954.3), dbSNP rs2543603809, ClinGen allele CA396354224.